The following is an entry in ClinVar:

ClinVar aggregate classification (germline): Uncertain significance (1 of 4 stars; one submission).

Submission:

Labcorp Genetics (formerly Invitae), Labcorp
Classification: Uncertain significance. Last evaluated: 2025-12-15. Review status: criteria provided, single submitter. Criteria: Invitae Variant Classification Sherloc (09022015). Collection method: clinical testing. Allele origin: germline.
Comment: This variant, c.489_494del, results in the deletion of 2 amino acid(s) of the ABCA4 protein (p.Thr164_Leu165del), but otherwise preserves the integrity of the reading frame. This variant is not present in population databases (gnomAD no frequency). This variant has not been reported in the literature in individuals affected with ABCA4-related conditions. ClinVar contains an entry for this variant (Variation ID: 1430054). Experimental studies and prediction algorithms are not available or were not evaluated, and the functional significance of this variant is currently unknown. In summary, the available evidence is currently insufficient to determine the role of this variant in disease. Therefore, it has been classified as a Variant of Uncertain Significance.

NM_000350.3(ABCA4):c.489_494del (p.162TL[1])

Gene: ABCA4 (ATP binding cassette subfamily A member 4; minus strand). Cytogenetic location: 1p22.1.
Variant type: Deletion.
Coding change: c.489_494del on transcript NM_000350.3 (MANE Select); coding-DNA positions 489 to 494, 6 bases deleted (GACACT; older notation c.489_494delGACACT).
Protein change: p.162TL[1].
Molecular consequence: inframe deletion. On other transcripts: inframe indel (1).
Genome position (GRCh38, 1-based): chr1:94,103,091-94,103,096, AGTGTC deleted on the plus strand (GACACT on the coding strand, the reverse complement: ABCA4 is on the minus strand); deleting any 6 consecutive bases within chr1:94,103,091-94,103,101 gives the same sequence; the c. name uses the placement nearest the transcript's 3' end. VCF-style (leftmost placement, unchanged base first): chr1-94103090-TAGTGTC-T. GRCh37 (hg19) VCF-style: chr1-94568646-TAGTGTC-T.
Other names: c.484_489delACACTG, p.Thr164_Leu165del (NM_001425324.1).
Identifiers: ClinVar variation 1430054 (VCV001430054.8), dbSNP rs2101143761, ClinGen allele CA2573132717.